The following is an entry in ClinVar:

ClinVar aggregate classification (germline): Pathogenic/Likely pathogenic. Review status: criteria provided, multiple submitters, no conflicts (2 of 4 stars). 2 submissions from 2 submitters: Pathogenic (1); Likely pathogenic (1). Last evaluated 2023-02-06.

Conditions:
Nephrotic syndrome, type 9 (NPHS9). Identifiers: Orphanet 656, MedGen C3809965, MONDO:0014257, OMIM 615573.

Allele frequency attached by ClinVar (database versions not stated): gnomAD exomes below 0.00001 and 0.00001; ExAC 0.00001; TOPMed 0.00001.
gnomAD v4.1: 1 of 1,613,108 alleles (0.000062%); highest among the groups gnomAD compares: East Asian, 0.0022%; no homozygotes.

Submissions (2):

Department of Pathology and Laboratory Medicine, Sinai Health System
Classification: Likely pathogenic for Nephrotic syndrome, type 9. Last evaluated: 2023-02-06. Review status: criteria provided, single submitter. Criteria: ACMG Guidelines, 2015. Collection method: research. Allele origin: germline.

Precision Medicine Center, Zhengzhou University
Classification: Pathogenic for Nephrotic syndrome, type 9. Review status: criteria provided, single submitter. Criteria: ACMG Guidelines, 2015. Collection method: research. Allele origin: germline. Affected: yes.
Comment: PVS1:Null variant in the gene with established LOF as a disease mechanism PM2:at extremely low frequency in gnomAD PP3:Multiple lines of computational evidence support a deleterious effect on the gene or gene product

NM_024876.4(COQ8B):c.893+2T>A

Gene: COQ8B (coenzyme Q8B; minus strand). Cytogenetic location: 19q13.2.
Variant type: single nucleotide variant.
Coding change: c.893+2T>A on transcript NM_024876.4 (MANE Select); the canonical splice donor site of the intron after coding-DNA position 893, T replaced by A.
Molecular consequence: splice donor variant.
Genome position (GRCh38, 1-based): chr19:40,702,598, A>T on the plus strand (T>A on the coding strand, the complement: COQ8B is on the minus strand). VCF-style: chr19-40702598-A-T. GRCh37 (hg19) VCF-style: chr19-41208503-A-T.
Other names: c.770+2T>A (NM_001142555.3).
Identifiers: ClinVar variation 1077023 (VCV001077023.2), dbSNP rs759259550, ClinGen allele CA9450233.